The following is an entry in ClinVar:

NM_005475.3(SH2B3):c.1288C>T (p.His430Tyr)

Gene: SH2B3 (SH2B adaptor protein 3; plus strand). Cytogenetic location: 12q24.12.
Variant type: single nucleotide variant.
Coding change: c.1288C>T on transcript NM_005475.3 (MANE Select); coding-DNA position 1288, C replaced by T.
Protein change: p.His430Tyr; replaces histidine 430 with tyrosine.
Molecular consequence: missense variant.
Genome position (GRCh38, 1-based): chr12:111,447,707, C>T. VCF-style: chr12-111447707-C-T. GRCh37 (hg19) VCF-style: chr12-111885511-C-T.
Other names: c.682C>T, p.His228Tyr (NM_001291424.1); short protein forms H228Y, H430Y.
Identifiers: ClinVar variation 4864427 (VCV004864427.1).

ClinVar aggregate classification (germline): Uncertain significance (1 of 4 stars; one submission).

Conditions:
Inborn genetic diseases. Identifiers: MedGen C0950123, MeSH D030342.

gnomAD v4.1: 1 of 1,613,964 alleles (0.000062%); no homozygotes.

Submission:

Ambry Genetics
Classification: Uncertain significance for Inborn genetic diseases. Last evaluated: 2026-04-22. Review status: criteria provided, single submitter. Criteria: Ambry Variant Classification Scheme 2023. Collection method: clinical testing. Allele origin: germline.
Comment: The p.H430Y variant (also known as c.1288C>T), located in coding exon 6 of the SH2B3 gene, results from a C to T substitution at nucleotide position 1288. The histidine at codon 430 is replaced by tyrosine, an amino acid with similar properties. This amino acid position is conserved. In addition, this alteration is predicted to be tolerated by in silico analysis. Based on the available evidence, the clinical significance of this variant remains unclear.